The following is an entry in ClinVar:

NM_024757.5(EHMT1):c.1923_1929delinsA (p.Ile642_Ala643del)

Gene: EHMT1 (euchromatic histone lysine methyltransferase 1; plus strand). Cytogenetic location: 9q34.3.
Variant type: Indel.
Coding change: c.1923_1929delinsA on transcript NM_024757.5 (MANE Select); coding-DNA positions 1923 to 1929, GATAGCT replaced by A.
Protein change: p.Ile642_Ala643del.
Molecular consequence: inframe deletion.
Genome position (GRCh38, 1-based): chr9:137,776,749-137,776,755, GATAGCT replaced by A. VCF-style: chr9-137776749-GATAGCT-A. GRCh37 (hg19) VCF-style: chr9-140671201-GATAGCT-A.
Other names: c.1923_1929delinsA, p.Ile642_Ala643del (NM_001145527.2); c.1830_1836delinsA, p.Ile611_Ala612del (NM_001354259.2); c.1902_1908delinsA, p.Ile635_Ala636del (NM_001354263.2).
Identifiers: ClinVar variation 3903141 (VCV003903141.1).

ClinVar aggregate classification (germline): Uncertain significance (1 of 4 stars; one submission).

Submission:

GeneDx
Classification: Uncertain significance. Last evaluated: 2024-12-16. Review status: criteria provided, single submitter. Criteria: GeneDx Variant Classification Process June 2021. Collection method: clinical testing. Allele origin: germline. Affected: yes.
Comment: Not observed at significant frequency in large population cohorts (gnomAD); In-frame deletion of 2 amino acid(s) in a non-repeat region; In silico analysis indicates that this variant does not alter protein structure/function; Has not been previously published as pathogenic or benign to our knowledge